The following is an entry in ClinVar:

NM_006514.4(SCN10A):c.5576A>C (p.Gln1859Pro)

Gene: SCN10A (sodium voltage-gated channel alpha subunit 10; minus strand). Cytogenetic location: 3p22.2.
Variant type: single nucleotide variant.
Coding change: c.5576A>C on transcript NM_006514.4 (MANE Select); coding-DNA position 5576, A replaced by C.
Protein change: p.Gln1859Pro; replaces glutamine 1859 with proline.
Molecular consequence: missense variant.
Genome position (GRCh38, 1-based): chr3:38,697,644, T>G on the plus strand (A>C on the coding strand, the complement: SCN10A is on the minus strand). VCF-style: chr3-38697644-T-G. GRCh37 (hg19) VCF-style: chr3-38739135-T-G.
Other names: c.5573A>C, p.Gln1858Pro (NM_001293306.2); c.5282A>C, p.Gln1761Pro (NM_001293307.2); short protein forms Q1761P, Q1858P, Q1859P.
Identifiers: ClinVar variation 2574300 (VCV002574300.1), dbSNP rs146269698, ClinGen allele CA2319653.

ClinVar aggregate classification (germline): Uncertain significance (1 of 4 stars; one submission).

Allele frequency attached by ClinVar (database versions not stated): ExAC 0.00001; ESP Exome Variant Server 0.00008.

Submission:

GeneDx
Classification: Uncertain significance. Last evaluated: 2023-01-30. Review status: criteria provided, single submitter. Criteria: GeneDx Variant Classification Process June 2021. Collection method: clinical testing. Allele origin: germline. Affected: yes.
Comment: In silico analysis supports that this missense variant has a deleterious effect on protein structure/function; Has not been previously published as pathogenic or benign to our knowledge